The following is an entry in ClinVar:

NM_002880.4(RAF1):c.1416C>T (p.Asn472=)

Gene: RAF1 (Raf-1 proto-oncogene, serine/threonine kinase; minus strand). Cytogenetic location: 3p25.2.
Variant type: single nucleotide variant.
Coding change: c.1416C>T on transcript NM_002880.4 (MANE Select); coding-DNA position 1416, C replaced by T.
Protein change: p.Asn472=; no amino-acid change (asparagine 472 retained).
Molecular consequence: synonymous variant. On other transcripts: non-coding transcript variant (3).
Genome position (GRCh38, 1-based): chr3:12,587,592, G>A on the plus strand (C>T on the coding strand, the complement: RAF1 is on the minus strand). VCF-style: chr3-12587592-G-A. GRCh37 (hg19) VCF-style: chr3-12629091-G-A.
Other names: c.1476C>T, p.Asn492= (NM_001354689.3); c.1416C>T, p.Asn472= (NM_001354690.3); c.1173C>T, p.Asn391= (NM_001354691.3, NM_001354692.3); c.1317C>T, p.Asn439= (NM_001354693.3); c.1233C>T, p.Asn411= (NM_001354694.3); c.1074C>T, p.Asn358= (NM_001354695.3).
Identifiers: ClinVar variation 3222899 (VCV003222899.1), dbSNP rs2470205690, ClinGen allele CA432272934.
Genomic context (GRCh38, chr3:12,587,592, plus strand): 5'-CTTCTGTTTCCCTAAATTTAGAACCGAGCAGTCAAATGAACTCAACAACCAAAGGATACT[G>A]TTGGATTTCATGTCTCTATGGATGATGTTCTTTGCATGCAAATAGCTGTGAAGGGAAAAG-3'
Protein context (NP_002871.1, residues 462-482): KNIIHRDMKS[Asn472=]NIFLHEGLTV

ClinVar aggregate classification (germline): Uncertain significance (1 of 4 stars; one submission).

Conditions:
Cardiovascular phenotype. Identifiers: MedGen CN230736.

Submission:

Ambry Genetics
Classification: Uncertain significance for Cardiovascular phenotype. Last evaluated: 2023-11-29. Review status: criteria provided, single submitter. Criteria: Ambry Variant Classification Scheme 2023. Collection method: clinical testing. Allele origin: germline.
Comment: The c.1416C>T variant (also known as p.N472N), located in coding exon 12 of the RAF1 gene, results from a C to T substitution at nucleotide position 1416. This nucleotide substitution does not change the asparagine at codon 472. This nucleotide position is not well conserved in available vertebrate species. In silico splice site analysis predicts that this alteration may weaken the native splice donor site. Since supporting evidence is limited at this time, the clinical significance of this alteration remains unclear.